The following is an entry in ClinVar:

ClinVar aggregate classification (germline): Conflicting classifications of pathogenicity. Review status: criteria provided, conflicting classifications (1 of 4 stars). 2 submissions from 2 submitters: Uncertain significance (1); Likely benign (1). Last evaluated 2026-01-04.

Conditions:
Hereditary cancer-predisposing syndrome. Also called: Hereditary neoplastic syndrome; Neoplastic Syndromes, Hereditary; Tumor predisposition; Hereditary Cancer Syndrome. Identifiers: Orphanet 140162, MedGen C0027672, MeSH D009386, MONDO:0015356.
Tuberous sclerosis 1 (TSC1). Identifiers: Orphanet 805, MedGen C1854465, MONDO:0008612, OMIM 191100.

Allele frequency attached by ClinVar (database versions not stated): gnomAD exomes below 0.00001 and 0.00001; TOPMed below 0.00001; ExAC 0.00001; 1000 Genomes Project 30x 0.00016; 1000 Genomes Project 0.00020.
gnomAD v4.1: 1 of 1,604,128 alleles (0.000062%); highest among the groups gnomAD compares: Admixed American, 0.0017%; no homozygotes.

Submissions (2):

Labcorp Genetics (formerly Invitae), Labcorp
Classification: Likely benign for Tuberous sclerosis 1. Last evaluated: 2026-01-04. Review status: criteria provided, single submitter. Criteria: Invitae Variant Classification Sherloc (09022015). Collection method: clinical testing. Allele origin: germline.

Ambry Genetics
Classification: Uncertain significance for Hereditary cancer-predisposing syndrome. Last evaluated: 2024-02-26. Review status: criteria provided, single submitter. Criteria: Ambry Variant Classification Scheme 2023. Collection method: clinical testing. Allele origin: germline.
Comment: The p.S315T variant (also known as c.943T>A), located in coding exon 8 of the TSC1 gene, results from a T to A substitution at nucleotide position 943. The serine at codon 315 is replaced by threonine, an amino acid with similar properties. This amino acid position is conserved. In addition, the in silico prediction for this alteration is inconclusive. Based on the available evidence, the clinical significance of this alteration remains unclear.

NM_000368.5(TSC1):c.943T>A (p.Ser315Thr)

Gene: TSC1 (TSC complex subunit 1; minus strand). Cytogenetic location: 9q34.13.
Variant type: single nucleotide variant.
Coding change: c.943T>A on transcript NM_000368.5 (MANE Select); coding-DNA position 943, T replaced by A.
Protein change: p.Ser315Thr; replaces serine 315 with threonine.
Molecular consequence: missense variant.
Genome position (GRCh38, 1-based): chr9:132,911,539, A>T on the plus strand (T>A on the coding strand, the complement: TSC1 is on the minus strand). VCF-style: chr9-132911539-A-T. GRCh37 (hg19) VCF-style: chr9-135786926-A-T.
Other names: c.943T>A, p.Ser315Thr (NM_001162426.2); c.790T>A, p.Ser264Thr (NM_001162427.2); c.580T>A, p.Ser194Thr (NM_001362177.2); short protein forms S315T, S264T, S194T.
Identifiers: ClinVar variation 411227 (VCV000411227.9), dbSNP rs185815387, ClinGen allele CA039861.